The following is an entry in ClinVar:

ClinVar aggregate classification (germline): Uncertain significance (1 of 4 stars; one submission).

Conditions:
Inborn genetic diseases. Identifiers: MedGen C0950123, MeSH D030342.

Submission:

Ambry Genetics
Classification: Uncertain significance for Inborn genetic diseases. Last evaluated: 2024-12-13. Review status: criteria provided, single submitter. Criteria: Ambry Variant Classification Scheme 2023. Collection method: clinical testing. Allele origin: germline.
Comment: The p.M525T variant (also known as c.1574T>C), located in coding exon 11 of the BMPR2 gene, results from a T to C substitution at nucleotide position 1574. The methionine at codon 525 is replaced by threonine, an amino acid with similar properties. This amino acid position is conserved. In addition, the in silico prediction for this alteration is inconclusive. Based on the available evidence, the clinical significance of this variant remains unclear.

NM_001204.7(BMPR2):c.1574T>C (p.Met525Thr)

Gene: BMPR2 (bone morphogenetic protein receptor type 2; plus strand). Cytogenetic location: 2q33.2.
Variant type: single nucleotide variant.
Coding change: c.1574T>C on transcript NM_001204.7 (MANE Select); coding-DNA position 1574, T replaced by C.
Protein change: p.Met525Thr; replaces methionine 525 with threonine.
Molecular consequence: missense variant.
Genome position (GRCh38, 1-based): chr2:202,552,876, T>C. VCF-style: chr2-202552876-T-C. GRCh37 (hg19) VCF-style: chr2-203417599-T-C.
Other names: short protein forms M525T.
Identifiers: ClinVar variation 3824738 (VCV003824738.1).